The following is an entry in ClinVar:

ClinVar aggregate classification (germline): Uncertain significance (1 of 4 stars; one submission).

Submission:

Labcorp Genetics (formerly Invitae), Labcorp
Classification: Uncertain significance. Last evaluated: 2022-03-12. Review status: criteria provided, single submitter. Criteria: Invitae Variant Classification Sherloc (09022015). Collection method: clinical testing. Allele origin: germline.
Comment: In summary, the available evidence is currently insufficient to determine the role of this variant in disease. Therefore, it has been classified as a Variant of Uncertain Significance. Algorithms developed to predict the effect of sequence changes on RNA splicing suggest that this variant may disrupt the consensus splice site. This variant has not been reported in the literature in individuals affected with FH-related conditions. This variant is not present in population databases (gnomAD no frequency). This sequence change affects codon 137 of the FH mRNA. It is a 'silent' change, meaning that it does not change the encoded amino acid sequence of the FH protein.

NM_000143.4(FH):c.411T>A (p.Pro137=)

Gene: FH (fumarate hydratase; minus strand). Cytogenetic location: 1q43.
Variant type: single nucleotide variant.
Coding change: c.411T>A on transcript NM_000143.4 (MANE Select); coding-DNA position 411, T replaced by A.
Protein change: p.Pro137=; no amino-acid change (proline 137 retained).
Molecular consequence: synonymous variant.
Genome position (GRCh38, 1-based): chr1:241,512,111, A>T on the plus strand (T>A on the coding strand, the complement: FH is on the minus strand). VCF-style: chr1-241512111-A-T. GRCh37 (hg19) VCF-style: chr1-241675411-A-T.
Identifiers: ClinVar variation 2110078 (VCV002110078.4), dbSNP rs2527332828, ClinGen allele CA424076335.